The following is an entry in ClinVar:

ClinVar aggregate classification (germline): Uncertain significance (1 of 4 stars; one submission).

Submission:

Labcorp Genetics (formerly Invitae), Labcorp
Classification: Uncertain significance. Last evaluated: 2023-06-26. Review status: criteria provided, single submitter. Criteria: Invitae Variant Classification Sherloc (09022015). Collection method: clinical testing. Allele origin: germline.
Comment: This sequence change replaces glycine, which is neutral and non-polar, with serine, which is neutral and polar, at codon 315 of the ADIPOR1 protein (p.Gly315Ser). This variant is not present in population databases (gnomAD no frequency). In summary, the available evidence is currently insufficient to determine the role of this variant in disease. Therefore, it has been classified as a Variant of Uncertain Significance. An algorithm developed to predict the effect of missense changes on protein structure and function (PolyPhen-2) suggests that this variant is likely to be tolerated. ClinVar contains an entry for this variant (Variation ID: 2105387). This variant has not been reported in the literature in individuals affected with ADIPOR1-related conditions.

NM_015999.6(ADIPOR1):c.943G>A (p.Gly315Ser)

Gene: ADIPOR1 (adiponectin receptor 1; minus strand). Cytogenetic location: 1q32.1.
Variant type: single nucleotide variant.
Coding change: c.943G>A on transcript NM_015999.6 (MANE Select); coding-DNA position 943, G replaced by A.
Protein change: p.Gly315Ser; replaces glycine 315 with serine.
Molecular consequence: missense variant.
Genome position (GRCh38, 1-based): chr1:202,942,081, C>T on the plus strand (G>A on the coding strand, the complement: ADIPOR1 is on the minus strand). VCF-style: chr1-202942081-C-T. GRCh37 (hg19) VCF-style: chr1-202911209-C-T.
Other names: c.943G>A, p.Gly315Ser (NM_001127687.1, NM_001290553.2, NM_001290557.1 and 1 more transcripts); short protein forms G315S.
Identifiers: ClinVar variation 2105387 (VCV002105387.4), dbSNP rs2527451673, ClinGen allele CA344278004.